The following is an entry in ClinVar:

NM_080680.3(COL11A2):c.4115G>C (p.Gly1372Ala)

Gene: COL11A2 (collagen type XI alpha 2 chain; minus strand). Cytogenetic location: 6p21.32.
Variant type: single nucleotide variant.
Coding change: c.4115G>C on transcript NM_080680.3 (MANE Select); coding-DNA position 4115, G replaced by C.
Protein change: p.Gly1372Ala; replaces glycine 1372 with alanine.
Molecular consequence: missense variant.
Genome position (GRCh38, 1-based): chr6:33,167,433, C>G on the plus strand (G>C on the coding strand, the complement: COL11A2 is on the minus strand). VCF-style: chr6-33167433-C-G. GRCh37 (hg19) VCF-style: chr6-33135210-C-G.
Other names: c.3794G>C, p.Gly1265Ala (NM_080679.3); c.3857G>C, p.Gly1286Ala (NM_080681.3); short protein forms G1265A, G1286A, G1372A.
Identifiers: ClinVar variation 2015197 (VCV002015197.4), dbSNP rs2150525372, ClinGen allele CA363623023.
Genomic context (GRCh38, chr6:33,167,433, plus strand): 5'-TCCCATGGCCCCTCACTCCCACCCCAGCCCAGCCCTTCCCTGCAGTGACTCACCACTGAG[C>G]CTGGGAGCCCCCTCAGACCATCAGGGCCAGGTTTCCCTGCTGGGCCTGCAGGACCCACCG-3'
Protein context (NP_542411.2, residues 1362-1382): PGPDGLRGLP[Gly1372Ala]SVGQQGRPGA

ClinVar aggregate classification (germline): Uncertain significance (1 of 4 stars; one submission).

Submission:

Labcorp Genetics (formerly Invitae), Labcorp
Classification: Uncertain significance. Last evaluated: 2022-07-08. Review status: criteria provided, single submitter. Criteria: Invitae Variant Classification Sherloc (09022015). Collection method: clinical testing. Allele origin: germline.
Comment: In summary, the available evidence is currently insufficient to determine the role of this variant in disease. Therefore, it has been classified as a Variant of Uncertain Significance. Advanced modeling of protein sequence and biophysical properties (such as structural, functional, and spatial information, amino acid conservation, physicochemical variation, residue mobility, and thermodynamic stability) performed at Invitae indicates that this missense variant is expected to disrupt COL11A2 protein function. This variant has not been reported in the literature in individuals affected with COL11A2-related conditions. This variant is not present in population databases (gnomAD no frequency). This sequence change replaces glycine, which is neutral and non-polar, with alanine, which is neutral and non-polar, at codon 1372 of the COL11A2 protein (p.Gly1372Ala).